The following is an entry in ClinVar:

ClinVar aggregate classification (germline): Uncertain significance (1 of 4 stars; one submission).

Allele frequency attached by ClinVar (database versions not stated): ExAC 0.00001; gnomAD exomes 0.00001; TOPMed 0.00001.
gnomAD v4.1: 20 of 1,613,610 alleles (0.0012%); highest among the groups gnomAD compares: Middle Eastern, 0.016%; no homozygotes.

Submission:

Labcorp Genetics (formerly Invitae), Labcorp
Classification: Uncertain significance. Last evaluated: 2025-03-17. Review status: criteria provided, single submitter. Criteria: Invitae Variant Classification Sherloc (09022015). Collection method: clinical testing. Allele origin: germline.
Comment: This sequence change replaces arginine, which is basic and polar, with glutamine, which is neutral and polar, at codon 3585 of the HMCN1 protein (p.Arg3585Gln). This variant is present in population databases (rs772387252, gnomAD 0.006%). This variant has not been reported in the literature in individuals affected with HMCN1-related conditions. ClinVar contains an entry for this variant (Variation ID: 2893144). An algorithm developed to predict the effect of missense changes on protein structure and function outputs the following: PolyPhen-2: "Benign". The glutamine amino acid residue is found in multiple mammalian species, which suggests that this missense change does not adversely affect protein function. In summary, the available evidence is currently insufficient to determine the role of this variant in disease. Therefore, it has been classified as a Variant of Uncertain Significance.

NM_031935.3(HMCN1):c.10754G>A (p.Arg3585Gln)

Gene: HMCN1 (hemicentin 1; plus strand). Cytogenetic location: 1q31.1.
Variant type: single nucleotide variant.
Coding change: c.10754G>A on transcript NM_031935.3 (MANE Select); coding-DNA position 10754, G replaced by A.
Protein change: p.Arg3585Gln; replaces arginine 3585 with glutamine.
Molecular consequence: missense variant.
Genome position (GRCh38, 1-based): chr1:186,103,652, G>A. VCF-style: chr1-186103652-G-A. GRCh37 (hg19) VCF-style: chr1-186072784-G-A.
Other names: short protein forms R3585Q.
Identifiers: ClinVar variation 2893144 (VCV002893144.3), dbSNP rs772387252, ClinGen allele CA1293805.
Genomic context (GRCh38, chr1:186,103,652, plus strand): 5'-ATGGCCGGCCCCTTCCACAGACGGATCAAGTGCAAACTCTAGGAGGAGGAGAGGTTCTTC[G>A]AATTTCTACTGCTCAGGTAAGTGTCAAAGTTCATAGAATTATTTTAGGTTAGGTCAAACT-3'
Protein context (NP_114141.2, residues 3575-3595): VQTLGGGEVL[Arg3585Gln]ISTAQVEDTG